The following is an entry in ClinVar:

NM_201384.3(PLEC):c.13507C>T (p.Arg4503Cys)

Gene: PLEC (plectin; minus strand). Cytogenetic location: 8q24.3.
Variant type: single nucleotide variant.
Coding change: c.13507C>T on transcript NM_201384.3 (MANE Select); coding-DNA position 13507, C replaced by T.
Protein change: p.Arg4503Cys; replaces arginine 4503 with cysteine.
Molecular consequence: missense variant.
Genome position (GRCh38, 1-based): chr8:143,916,314, G>A on the plus strand (C>T on the coding strand, the complement: PLEC is on the minus strand). VCF-style: chr8-143916314-G-A. GRCh37 (hg19) VCF-style: chr8-144990482-G-A.
Other names: c.13588C>T (NM_000445.3); c.13588C>T, p.Arg4530Cys (NM_000445.5); c.10207C>T, p.Arg3403Cys (NM_001410941.1); c.13465C>T, p.Arg4489Cys (NM_201378.4); c.13441C>T, p.Arg4481Cys (NM_201379.3); c.13918C>T, p.Arg4640Cys (NM_201380.4); c.13411C>T, p.Arg4471Cys (NM_201381.3); c.13507C>T, p.Arg4503Cys (NM_201382.4); and 1 more; short protein forms R3403C, R4481C, R4507C, R4530C, R4489C, R4503C, R4471C, R4640C.
Identifiers: ClinVar variation 2189880 (VCV002189880.7), dbSNP rs548839677, ClinGen allele CA4923773.

ClinVar aggregate classification (germline): Uncertain significance. Review status: criteria provided, multiple submitters, no conflicts (2 of 4 stars). 2 submissions from 2 submitters: Uncertain significance (2). Last evaluated 2022-01-26.

Conditions:
Epidermolysis bullosa simplex with nail dystrophy (EBS5D). Identifiers: MedGen C4225309, MONDO:0014661, OMIM 616487.
Epidermolysis bullosa simplex 5B, with muscular dystrophy (EBS5B). Also called: EPIDERMOLYSIS BULLOSA SIMPLEX AND LIMB-GIRDLE MUSCULAR DYSTROPHY; Epidermolysis bullosa simplex with muscular dystrophy. Identifiers: Orphanet 257, MedGen C2931072, MONDO:0009181, OMIM 226670.
Epidermolysis bullosa simplex, Ogna type (EBS5A). Also called: Pidermolysis bullosa simplex 5A, Ogna type; EPIDERMOLYSIS BULLOSA SIMPLEX 5A, OGNA TYPE. Identifiers: Orphanet 79401, MedGen C0432317, MONDO:0007555, OMIM 131950.
Epidermolysis bullosa simplex 5C, with pyloric atresia (EBS5C). Also called: Epidermolysis bullosa simplex with pyloric atresia; PLEC-Related Epidermolysis Bullosa with Pyloric Atresia; PLEC1-Related Epidermolysis Bullosa with Pyloric Atresia. Identifiers: Orphanet 158684, MedGen C2677349, MONDO:0012807, OMIM 612138.
Autosomal recessive limb-girdle muscular dystrophy type 2Q (LGMDR17). Also called: MUSCULAR DYSTROPHY, LIMB-GIRDLE, AUTOSOMAL RECESSIVE 17. Identifiers: Orphanet 254361, MedGen C3150989, MONDO:0013390, OMIM 613723.

Allele frequency attached by ClinVar (database versions not stated): ExAC 0.00003; 1000 Genomes Project 0.00020; 1000 Genomes Project 30x 0.00047.
gnomAD v4.1: 16 of 1,583,882 alleles (0.001%); highest among the groups gnomAD compares: African/African-American, 0.0067%; no homozygotes.

Submissions (2):

Labcorp Genetics (formerly Invitae), Labcorp
Classification: Uncertain significance for Autosomal recessive limb-girdle muscular dystrophy type 2Q; Epidermolysis bullosa simplex, Ogna type; Epidermolysis bullosa simplex with nail dystrophy; Epidermolysis bullosa simplex 5C, with pyloric atresia; Epidermolysis bullosa simplex 5B, with muscular dystrophy. Last evaluated: 2022-01-26. Review status: criteria provided, single submitter. Criteria: Invitae Variant Classification Sherloc (09022015). Collection method: clinical testing. Allele origin: germline.
Comment: In summary, the available evidence is currently insufficient to determine the role of this variant in disease. Therefore, it has been classified as a Variant of Uncertain Significance. Algorithms developed to predict the effect of missense changes on protein structure and function are either unavailable or do not agree on the potential impact of this missense change (SIFT: "Deleterious"; PolyPhen-2: "Not Available"; Align-GVGD: "Class C65"). This variant has not been reported in the literature in individuals affected with PLEC-related conditions. The frequency data for this variant in the population databases is considered unreliable, as metrics indicate poor data quality at this position in the gnomAD database. This sequence change replaces arginine, which is basic and polar, with cysteine, which is neutral and slightly polar, at codon 4530 of the PLEC protein (p.Arg4530Cys).

Revvity Omics, Revvity
Classification: Uncertain significance. Last evaluated: 2019-06-06. Review status: criteria provided, single submitter. Criteria: ACMG Guidelines, 2015. Collection method: clinical testing. Allele origin: germline.